The following is an entry in ClinVar:

ClinVar aggregate classification (germline): Uncertain significance (1 of 4 stars; one submission).

Conditions:
Autism spectrum disorder. Also called: Autism spectrum disorders. Identifiers: MedGen C1510586, MeSH D000067877, MONDO:0005258.

Submission:

Oasi Research Institute-IRCCS
Classification: Uncertain significance for Autism spectrum disorder. Last evaluated: 2025-05-12. Review status: criteria provided, single submitter. Criteria: ACMG Guidelines, 2015. Collection method: clinical testing. Allele origin: de novo. Inheritance: Autosomal dominant inheritance. Affected: yes.
Comment: This mutation leads to the replacement of a proline residue with a leucine at position 451 in the protein sequence. This de novo variant was classified as Uncertain Significance (VUS) according to the ACMG criteria BP4, PM2 and PS2. According to the ACMG scoring system present in Varsome, this variant presented 5 points. PhyloP score related to the specific nucleotide position is 3.811, indicating a moderate conservation rate. Variant was not found in GnomAD database. The POGZ gene encodes the pogo transposable element-derived protein with zinc finger domain. This protein is involved in chromatin organization and regulation of gene expression. It is known to interact with heterochromatin protein 1 (HP1) and contributes to the maintenance of heterochromatin integrity and the regulation of gene expression during development.

NM_015100.4(POGZ):c.1352C>T (p.Pro451Leu)

Gene: POGZ (pogo transposable element derived with ZNF domain; minus strand). Cytogenetic location: 1q21.3.
Variant type: single nucleotide variant.
Coding change: c.1352C>T on transcript NM_015100.4 (MANE Select); coding-DNA position 1352, C replaced by T.
Protein change: p.Pro451Leu; replaces proline 451 with leucine.
Molecular consequence: missense variant.
Genome position (GRCh38, 1-based): chr1:151,424,120, G>A on the plus strand (C>T on the coding strand, the complement: POGZ is on the minus strand). VCF-style: chr1-151424120-G-A. GRCh37 (hg19) VCF-style: chr1-151396596-G-A.
Other names: c.1325C>T, p.Pro442Leu (NM_001194937.2); c.1166C>T, p.Pro389Leu (NM_001194938.2); c.1373C>T, p.Pro458Leu (NM_001410860.1); c.1067C>T, p.Pro356Leu (NM_145796.4); c.1193C>T, p.Pro398Leu (NM_207171.2); short protein forms P356L, P389L, P398L, P442L, P451L, P458L.
Identifiers: ClinVar variation 3899879 (VCV003899879.1).